The following is an entry in ClinVar:

NM_001127511.3(APC):c.-36dup

Gene: APC (APC regulator of Wnt signaling pathway; plus strand). Cytogenetic location: 5q22.2.
Variant type: Duplication.
Coding change: c.-36dup on transcript NM_001127511.3; 36 bases upstream of the start codon, one base duplicated (A; older notation c.-36dupA).
Molecular consequence: 5 prime UTR variant. On other transcripts: non-coding transcript variant (1), intron variant (5).
Genome position (GRCh38, 1-based): chr5:112,707,682, A duplicated; the last of 2 consecutive A bases (chr5:112,707,681-112,707,682); duplicating either gives the same sequence. VCF-style (leftmost placement, unchanged base first): chr5-112707680-G-GA. GRCh37 (hg19) VCF-style: chr5-112043377-G-GA.
Other names: c.-219dup (NM_001354895.2, NM_001407447.1, NM_001407452.1 and 3 more transcripts); c.-36dup (NM_001354897.2, NM_001354902.2, NM_001407446.1); c.-1254dup (NM_001407470.1, NM_001407472.1); c.-19+33dup (NM_001407448.1, NM_001407450.1, NM_001407457.1 and 1 more transcripts); c.-43+33dup (NM_001407453.1).
Identifiers: ClinVar variation 1413772 (VCV001413772.8), dbSNP rs2149630195, ClinGen allele CA2573138793.

ClinVar aggregate classification (germline): Uncertain significance (1 of 4 stars; one submission).

Conditions:
Familial adenomatous polyposis 1 (FAP1). Also called: FAMILIAL ADENOMATOUS POLYPOSIS 1, ATTENUATED; POLYPOSIS, ADENOMATOUS INTESTINAL. Identifiers: MedGen C2713442, MONDO:0021056, OMIM 175100. Disease mechanism: loss of function.

Submission:

Labcorp Genetics (formerly Invitae), Labcorp
Classification: Uncertain significance for Familial adenomatous polyposis 1. Last evaluated: 2021-09-20. Review status: criteria provided, single submitter. Criteria: Invitae Variant Classification Sherloc (09022015). Collection method: clinical testing. Allele origin: germline.
Comment: This variant occurs in a non-coding region of the APC gene. It does not change the encoded amino acid sequence of the APC protein. The frequency data for this variant in the population databases is considered unreliable, as metrics indicate insufficient coverage at this position in the ExAC database. This variant has not been reported in the literature in individuals affected with APC-related conditions. Experimental studies and prediction algorithms are not available or were not evaluated, and the functional significance of this variant is currently unknown. In summary, the available evidence is currently insufficient to determine the role of this variant in disease. Therefore, it has been classified as a Variant of Uncertain Significance.